The following is an entry in ClinVar:

ClinVar aggregate classification (germline): Pathogenic/Likely pathogenic. Review status: criteria provided, multiple submitters, no conflicts (2 of 4 stars). 5 submissions from 5 submitters: Pathogenic (2); Likely pathogenic (2). 1 of the submissions does not count toward it. Last evaluated 2023-09-13.

Conditions:
Charcot-Marie-Tooth disease dominant intermediate C (CMTDIC). Also called: CHARCOT-MARIE-TOOTH NEUROPATHY, DOMINANT INTERMEDIATE C. Identifiers: Orphanet 100045, MedGen C1842237, MONDO:0012012, OMIM 608323.
YARS-related disorders.
Neurologic, endocrine, and pancreatic disease, multisystem, infantile-onset 2 (IMNEPD2). Also called: YARS1 Deficiency. Identifiers: MedGen C5543623, MONDO:0030375, OMIM 619418.

Allele frequency attached by ClinVar (database versions not stated): gnomAD exomes below 0.00001; TOPMed below 0.00001; gnomAD 0.00001.
gnomAD v4.1: 4 of 1,613,936 alleles (0.00025%); highest among the groups gnomAD compares: African/African-American, 0.0013%; no homozygotes.

Submissions (5):

GeneDx
Classification: Likely pathogenic. Last evaluated: 2023-09-13. Review status: criteria provided, single submitter. Criteria: GeneDx Variant Classification Process June 2021. Collection method: clinical testing. Allele origin: germline. Affected: yes.
Comment: Not observed at significant frequency in large population cohorts (gnomAD); In silico analysis supports that this missense variant has a deleterious effect on protein structure/function; This variant is associated with the following publications: (PMID: 36307205, 30304524, 28726809, 31028937, 33490854, 34352414, 34536092)

CeGaT Center for Human Genetics Tuebingen
Classification: Likely pathogenic. Last evaluated: 2023-01-01. Review status: criteria provided, single submitter. Criteria: CeGaT Center For Human Genetics Tuebingen Variant Classification Criteria Version 2. Collection method: clinical testing. Allele origin: germline. Affected: yes. Observed: 3 variant alleles.
Comment: YARS1: PM2, PM3, PP3, PS4:Supporting

Blueprint Genetics
Classification: Pathogenic for YARS-related disorders. Last evaluated: 2022-11-15. Review status: criteria provided, single submitter. Criteria: ACMG Guidelines, 2015. Collection method: clinical testing. Allele origin: germline. Affected: yes. Observed: 1 variant allele.

Labcorp Genetics (formerly Invitae), Labcorp
Classification: Pathogenic for Charcot-Marie-Tooth disease dominant intermediate C. Last evaluated: 2021-02-02. Review status: criteria provided, single submitter. Criteria: Invitae Variant Classification Sherloc (09022015). Collection method: clinical testing. Allele origin: germline.
Comment: For these reasons, this variant has been classified as Pathogenic. Experimental studies have shown that this variant affects YARS protein function (PMID: 3034524). This variant has been observed in individual(s) with autosomal recessive YARS-related conditions (PMID: 3034524). It has also been observed to segregate with disease in related individuals. ClinVar contains an entry for this variant (Variation ID: 662296). This variant is not present in population databases (ExAC no frequency). This sequence change replaces proline with threonine at codon 167 of the YARS protein (p.Pro167Thr). The proline residue is highly conserved and there is a small physicochemical difference between proline and threonine.

OMIM
Classification: Pathogenic for NEUROLOGIC, ENDOCRINE, AND PANCREATIC DISEASE, MULTISYSTEM, INFANTILE-ONSET 2. Last evaluated: 2021-07-08. Review status: no assertion criteria provided. Collection method: literature only. Allele origin: germline. Not counted in ClinVar's aggregate classification.

Literature cited by the submitters: PubMed 3034524 (cited by Labcorp Genetics (formerly Invitae), Labcorp); PubMed 30304524 (cited by OMIM).

NM_003680.4(YARS1):c.499C>A (p.Pro167Thr)

Gene: YARS1 (tyrosyl-tRNA synthetase 1; minus strand). Cytogenetic location: 1p35.1.
Variant type: single nucleotide variant.
Coding change: c.499C>A on transcript NM_003680.4 (MANE Select); coding-DNA position 499, C replaced by A.
Protein change: p.Pro167Thr; replaces proline 167 with threonine.
Molecular consequence: missense variant.
Genome position (GRCh38, 1-based): chr1:32,806,493, G>T on the plus strand (C>A on the coding strand, the complement: YARS1 is on the minus strand). VCF-style: chr1-32806493-G-T. GRCh37 (hg19) VCF-style: chr1-33272094-G-T.
Other names: short protein forms P167T.
Identifiers: ClinVar variation 662296 (VCV000662296.50), dbSNP rs1279417718, ClinGen allele CA339686717.
Genomic context (GRCh38, chr1:32,806,493, plus strand): 5'-CAAACCAGAGCAGAAAAGGTCATCGGGCCACTCCATCCCCCTTAAGTACCTGCAGTCCGG[G>T]GTATAAGAGGCCACTCAGCAAAGGGTGCTCCACCTGCTTTACCACCTCAGCTCCAGCCTT-3'
Protein context (NP_003671.1, residues 157-177): EHPLLSGLLY[Pro167Thr]GLQALDEEYL